The following is an entry in ClinVar:

NM_021619.3(PRDM12):c.1040T>C (p.Leu347Pro)

Gene: PRDM12 (PR/SET domain 12; plus strand). Cytogenetic location: 9q34.12.
Variant type: single nucleotide variant.
Coding change: c.1040T>C on transcript NM_021619.3 (MANE Select); coding-DNA position 1040, T replaced by C.
Protein change: p.Leu347Pro; replaces leucine 347 with proline.
Molecular consequence: missense variant.
Genome position (GRCh38, 1-based): chr9:130,681,605, T>C. VCF-style: chr9-130681605-T-C. GRCh37 (hg19) VCF-style: chr9-133556992-T-C.
Other names: short protein forms L347P.
Identifiers: ClinVar variation 4143836 (VCV004143836.2).

ClinVar aggregate classification (germline): Uncertain significance. Review status: criteria provided, multiple submitters, no conflicts (2 of 4 stars). 2 submissions from 2 submitters: Uncertain significance (2). Last evaluated 2025-10-27.

Conditions:
Congenital insensitivity to pain-hypohidrosis syndrome. Also called: HSAN VIII; Neuropathy, hereditary sensory and autonomic, type VIII. Identifiers: Orphanet 478664, MedGen C4225308, MONDO:0014662, OMIM 616488.
Inborn genetic diseases. Identifiers: MedGen C0950123, MeSH D030342.

Submissions (2):

Labcorp Genetics (formerly Invitae), Labcorp
Classification: Uncertain significance for Congenital insensitivity to pain-hypohidrosis syndrome. Last evaluated: 2025-10-27. Review status: criteria provided, single submitter. Criteria: Invitae Variant Classification Sherloc (09022015). Collection method: clinical testing. Allele origin: germline.
Comment: This sequence change replaces leucine, which is neutral and non-polar, with proline, which is neutral and non-polar, at codon 347 of the PRDM12 protein (p.Leu347Pro). The frequency data for this variant in the population databases is considered unreliable, as metrics indicate insufficient coverage at this position in the gnomAD database. This variant has not been reported in the literature in individuals affected with PRDM12-related conditions. ClinVar contains an entry for this variant (Variation ID: 4143836). Experimental studies and prediction algorithms are not available or were not evaluated, and the functional significance of this variant is currently unknown. In summary, the available evidence is currently insufficient to determine the role of this variant in disease. Therefore, it has been classified as a Variant of Uncertain Significance.

Ambry Genetics
Classification: Uncertain significance for Inborn genetic diseases. Last evaluated: 2025-08-10. Review status: criteria provided, single submitter. Criteria: Ambry Variant Classification Scheme 2023. Collection method: clinical testing. Allele origin: germline.